The following is an entry in ClinVar:

NM_002432.3(MNDA):c.1069C>A (p.His357Asn)

Gene: MNDA (myeloid cell nuclear differentiation antigen; plus strand). Cytogenetic location: 1q23.1.
Variant type: single nucleotide variant.
Coding change: c.1069C>A on transcript NM_002432.3 (MANE Select); coding-DNA position 1069, C replaced by A.
Protein change: p.His357Asn; replaces histidine 357 with asparagine.
Molecular consequence: missense variant.
Genome position (GRCh38, 1-based): chr1:158,847,809, C>A. VCF-style: chr1-158847809-C-A. GRCh37 (hg19) VCF-style: chr1-158817599-C-A.
Other names: short protein forms H357N.
Identifiers: ClinVar variation 2338829 (VCV002338829.2), dbSNP rs2276403, ClinGen allele CA343044193.

ClinVar aggregate classification (germline): Uncertain significance (1 of 4 stars; one submission).

Submission:

Ambry Genetics
Classification: Uncertain significance. Last evaluated: 2023-01-07. Review status: criteria provided, single submitter. Criteria: Ambry Variant Classification Scheme 2023. Collection method: clinical testing. Allele origin: germline.
Comment: The p.H357N variant (also known as c.1069C>A), located in coding exon 5 of the MNDA gene, results from a C to A substitution at nucleotide position 1069. The histidine at codon 357 is replaced by asparagine, an amino acid with similar properties. This amino acid position is conserved. In addition, this alteration is predicted to be tolerated by in silico analysis. Since supporting evidence is limited at this time, the clinical significance of this alteration remains unclear.